The following is an entry in ClinVar:

ClinVar aggregate classification (germline): Benign/Likely benign. Review status: criteria provided, multiple submitters, no conflicts (2 of 4 stars). 4 submissions from 4 submitters: Benign (3); Likely benign (1). Last evaluated 2026-08-01.

Conditions:
Developmental and epileptic encephalopathy, 30 (DEE30). Also called: Epileptic encephalopathy, early infantile, 30. Identifiers: MedGen C4225360, MONDO:0014595, OMIM 616341.

Allele frequency attached by ClinVar (database versions not stated): 1000 Genomes Project 0.00060; gnomAD exomes 0.00340; ExAC 0.00381; ESP Exome Variant Server 0.00508; gnomAD 0.00575.

Submissions (4):

CeGaT Center for Human Genetics Tuebingen
Classification: Likely benign. Last evaluated: 2026-08-01. Review status: criteria provided, single submitter. Criteria: CeGaT Center For Human Genetics Tuebingen Variant Classification Criteria Version 2. Collection method: clinical testing. Allele origin: germline. Affected: yes. Observed: 53 variant alleles.
Comment: SIK1: BP4, BS1

Labcorp Genetics (formerly Invitae), Labcorp
Classification: Benign for Developmental and epileptic encephalopathy, 30. Last evaluated: 2026-01-28. Review status: criteria provided, single submitter. Criteria: Invitae Variant Classification Sherloc (09022015). Collection method: clinical testing. Allele origin: germline.

Athena Diagnostics
Classification: Benign. Last evaluated: 2017-08-14. Review status: criteria provided, single submitter. Criteria: Athena Diagnostics Criteria. Collection method: clinical testing. Allele origin: germline.

Breakthrough Genomics
Classification: Benign. Review status: criteria provided, single submitter. Criteria: ACMG Guidelines, 2015. Collection method: not provided. Allele origin: germline. Inheritance: Autosomal dominant inheritance. Affected: yes.

NM_173354.5(SIK1):c.1463-7C>T

Gene: SIK1 (salt inducible kinase 1; minus strand). Cytogenetic location: 21q22.3.
Variant type: single nucleotide variant.
Coding change: c.1463-7C>T on transcript NM_173354.5 (MANE Select); 7 bases into the intron before coding-DNA position 1463, C replaced by T.
Molecular consequence: intron variant.
Genome position (GRCh38, 1-based): chr21:43,418,548, G>A on the plus strand (C>T on the coding strand, the complement: SIK1 is on the minus strand). VCF-style: chr21-43418548-G-A. GRCh37 (hg19) VCF-style: chr21-44838428-G-A.
Identifiers: ClinVar variation 476084 (VCV000476084.43), dbSNP rs142866662, ClinGen allele CA321325572.